The following is an entry in ClinVar:

NM_000094.4(COL7A1):c.5273G>A (p.Gly1758Glu)

Gene: COL7A1 (collagen type VII alpha 1 chain; minus strand). Cytogenetic location: 3p21.31.
Variant type: single nucleotide variant.
Coding change: c.5273G>A on transcript NM_000094.4 (MANE Select); coding-DNA position 5273, G replaced by A.
Protein change: p.Gly1758Glu; replaces glycine 1758 with glutamic acid.
Molecular consequence: missense variant.
Genome position (GRCh38, 1-based): chr3:48,579,403, C>T on the plus strand (G>A on the coding strand, the complement: COL7A1 is on the minus strand). VCF-style: chr3-48579403-C-T. GRCh37 (hg19) VCF-style: chr3-48616836-C-T.
Other names: short protein forms G1758E.
Identifiers: ClinVar variation 932075 (VCV000932075.3), dbSNP rs1553857986, ClinGen allele CA352676461.

ClinVar aggregate classification (germline): Uncertain significance (1 of 4 stars; one submission).

Conditions:
Epidermolysis bullosa pruriginosa. Also called: DEB, PRURIGINOSA; DYSTROPHIC EPIDERMOLYSIS BULLOSA PRURIGINOSA. Identifiers: Orphanet 89843, MedGen C1275114, MONDO:0011398, OMIM 604129.

Allele frequency attached by ClinVar (database versions not stated): gnomAD exomes below 0.00001.
gnomAD v4.1: 1 of 1,614,194 alleles (0.000062%); highest among the groups gnomAD compares: Non-Finnish European, 0.000085%; no homozygotes.

Submission:

Centre for Mendelian Genomics, University Medical Centre Ljubljana
Classification: Uncertain significance for Epidermolysis bullosa pruriginosa. Last evaluated: 2016-01-01. Review status: criteria provided, single submitter. Criteria: ACMG Guidelines, 2015. Collection method: clinical testing. Allele origin: unknown. Affected: yes.
Comment: This variant was classified as: Uncertain significance.